The following is an entry in ClinVar:

NM_001395656.1(ROBO2):c.*2196G>A

Gene: ROBO2 (roundabout guidance receptor 2; plus strand). Cytogenetic location: 3p12.3.
Variant type: single nucleotide variant.
Coding change: c.*2196G>A on transcript NM_001395656.1 (MANE Select); 2196 bases downstream of the stop codon, G replaced by A.
Molecular consequence: 3 prime UTR variant.
Genome position (GRCh38, 1-based): chr3:77,648,251, G>A. VCF-style: chr3-77648251-G-A. GRCh37 (hg19) VCF-style: chr3-77697402-G-A.
Other names: c.*2196G>A (NM_001128929.3, NM_001290039.2, NM_001290040.2 and 14 more transcripts); c.*2193G>A (NM_001378194.1, NM_001378196.1, NM_001378199.1 and 3 more transcripts).
Identifiers: ClinVar variation 346748 (VCV000346748.6), dbSNP rs117129934, ClinGen allele CA10617477.

ClinVar aggregate classification (germline): Benign (1 of 4 stars; one submission).

Conditions:
Vesicoureteral reflux 2 (VUR2). Identifiers: Orphanet 289365, MedGen C1970483, MONDO:0012573, OMIM 610878.

Allele frequency attached by ClinVar (database versions not stated): gnomAD 0.01070 and 0.01133; TOPMed 0.01903; 1000 Genomes Project 0.02097; 1000 Genomes Project 30x 0.02171.

Submission:

Illumina Laboratory Services, Illumina
Classification: Benign for Vesicoureteral reflux 2. Last evaluated: 2018-01-13. Review status: criteria provided, single submitter. Criteria: ICSL Variant Classification Criteria 13 December 2019. Collection method: clinical testing. Allele origin: germline.
Comment: This variant was observed in the ICSL laboratory as part of a predisposition screen in an ostensibly healthy population. It had not been previously curated by ICSL or reported in the Human Gene Mutation Database (HGMD: prior to June 1st, 2018), and was therefore a candidate for classification through an automated scoring system. Utilizing variant allele frequency, disease prevalence and penetrance estimates, and inheritance mode, an automated score was calculated to assess if this variant is too frequent to cause the disease. Based on the score and internal cut-off values, a variant classified as benign is not then subjected to further curation. The score for this variant resulted in a classification of benign for this disease.